The following is an entry in ClinVar:

NM_001013403.3(CXorf66):c.504A>T (p.Ser168=)

Gene: CXorf66 (chromosome X open reading frame 66; minus strand). Cytogenetic location: Xq27.1.
Variant type: single nucleotide variant.
Coding change: c.504A>T on transcript NM_001013403.3 (MANE Select); coding-DNA position 504, A replaced by T.
Protein change: p.Ser168=; no amino-acid change (serine 168 retained).
Molecular consequence: synonymous variant.
Genome position (GRCh38, 1-based): chrX:139,956,478, T>A on the plus strand (A>T on the coding strand, the complement: CXorf66 is on the minus strand). VCF-style: chrX-139956478-T-A. GRCh37 (hg19) VCF-style: chrX-139038637-T-A.
Identifiers: ClinVar variation 2661538 (VCV002661538.24), dbSNP rs1199042068, ClinGen allele CA519167777.

ClinVar aggregate classification (germline): Likely benign (1 of 4 stars; one submission).

Submission:

CeGaT Center for Human Genetics Tuebingen
Classification: Likely benign. Last evaluated: 2022-10-01. Review status: criteria provided, single submitter. Criteria: CeGaT Center For Human Genetics Tuebingen Variant Classification Criteria Version 2. Collection method: clinical testing. Allele origin: germline. Affected: yes. Observed: 1 variant allele.
Comment: CXorf66: PM2:Supporting, BP4, BP7